The following is an entry in ClinVar:

NM_020975.6(RET):c.1317G>C (p.Gln439His)

Gene: RET (ret proto-oncogene; plus strand). Cytogenetic location: 10q11.21.
Variant type: single nucleotide variant.
Coding change: c.1317G>C on transcript NM_020975.6 (MANE Select); coding-DNA position 1317, G replaced by C.
Protein change: p.Gln439His; replaces glutamine 439 with histidine.
Molecular consequence: missense variant.
Genome position (GRCh38, 1-based): chr10:43,111,260, G>C. VCF-style: chr10-43111260-G-C. GRCh37 (hg19) VCF-style: chr10-43606708-G-C.
Other names: c.1317G>C, p.Gln439His (NM_000323.2, NM_001406743.1, NM_001406744.1 and 6 more transcripts); c.555G>C, p.Gln185His (NM_001355216.2); c.1188G>C, p.Gln396His (NM_001406761.1, NM_001406762.1, NM_001406764.1 and 1 more transcripts); c.1029G>C, p.Gln343His (NM_001406766.1, NM_001406767.1, NM_001406770.1); c.921G>C, p.Gln307His (NM_001406769.1, NM_001406772.1); c.879G>C, p.Gln293His (NM_001406771.1, NM_001406773.1); c.792G>C, p.Gln264His (NM_001406774.1); c.591G>C, p.Gln197His (NM_001406775.1, NM_001406776.1, NM_001406777.1 and 1 more transcripts); and 1 more; short protein forms Q109H, Q185H, Q197H, Q264H, Q293H, Q307H, Q343H, Q396H.
Identifiers: ClinVar variation 1720253 (VCV001720253.5), dbSNP rs1837915657, ClinGen allele CA376548998.

ClinVar aggregate classification (germline): Uncertain significance (1 of 4 stars; one submission).

Conditions:
Multiple endocrine neoplasia, type 2 (MEN2). Identifiers: Orphanet 653, MedGen C4048306, MONDO:0019003. Disease mechanism: gain of function.

Submission:

Labcorp Genetics (formerly Invitae), Labcorp
Classification: Uncertain significance for Multiple endocrine neoplasia, type 2. Last evaluated: 2022-09-23. Review status: criteria provided, single submitter. Criteria: Invitae Variant Classification Sherloc (09022015). Collection method: clinical testing. Allele origin: germline.
Comment: This sequence change replaces glutamine, which is neutral and polar, with histidine, which is basic and polar, at codon 439 of the RET protein (p.Gln439His). This variant is not present in population databases (gnomAD no frequency). This variant has not been reported in the literature in individuals affected with RET-related conditions. Algorithms developed to predict the effect of missense changes on protein structure and function (SIFT, PolyPhen-2, Align-GVGD) all suggest that this variant is likely to be tolerated. In summary, the available evidence is currently insufficient to determine the role of this variant in disease. Therefore, it has been classified as a Variant of Uncertain Significance.